The following is an entry in ClinVar:

NM_001267550.2(TTN):c.67397C>A (p.Ser22466Ter)

Genes: TTN (titin; minus strand), TTN-AS1 (TTN antisense RNA 1; plus strand). Cytogenetic location: 2q31.2.
Variant type: single nucleotide variant.
Coding change: c.67397C>A on transcript NM_001267550.2 (MANE Select); coding-DNA position 67397, C replaced by A.
Protein change: p.Ser22466Ter; replaces serine 22466 with a stop codon.
Molecular consequence: nonsense.
Genome position (GRCh38, 1-based): chr2:178,579,800, G>T on the plus strand (C>A on the coding strand, the complement: TTN is on the minus strand). VCF-style: chr2-178579800-G-T. GRCh37 (hg19) VCF-style: chr2-179444527-G-T.
Other names: c.62474C>A, p.Ser20825Ter (NM_001256850.1); c.40202C>A, p.Ser13401Ter (NM_003319.4); c.59693C>A, p.Ser19898Ter (NM_133378.4); c.40577C>A, p.Ser13526Ter (NM_133432.3); c.40778C>A, p.Ser13593Ter (NM_133437.4); short protein forms S13593*, S13401*, S13526*, S19898*, S22466*, S20825*.
Identifiers: ClinVar variation 945890 (VCV000945890.10), dbSNP rs2047280731, ClinGen allele CA349423849.

ClinVar aggregate classification (germline): Likely pathogenic (1 of 4 stars; one submission).

Conditions:
Dilated cardiomyopathy 1G (CMD1G). Identifiers: Orphanet 154, MedGen C1858763, MONDO:0011400, OMIM 604145.
Autosomal recessive limb-girdle muscular dystrophy type 2J (LGMDR10). Also called: MUSCULAR DYSTROPHY, LIMB-GIRDLE, AUTOSOMAL RECESSIVE 10; Limb-girdle muscular dystrophy, type 2J. Identifiers: Orphanet 140922, MedGen C1837342, MONDO:0012127, OMIM 608807.

Submission:

Labcorp Genetics (formerly Invitae), Labcorp
Classification: Likely pathogenic for Dilated cardiomyopathy 1G; Autosomal recessive limb-girdle muscular dystrophy type 2J. Last evaluated: 2025-12-08. Review status: criteria provided, single submitter. Criteria: Invitae Variant Classification Sherloc (09022015). Collection method: clinical testing. Allele origin: germline.
Comment: This sequence change creates a premature translational stop signal (p.Ser22466*) in the TTN gene. While this is not anticipated to result in nonsense mediated decay, it is expected to create a truncated TTN protein. This variant is not present in population databases (gnomAD no frequency). This variant has not been reported in the literature in individuals affected with TTN-related conditions. ClinVar contains an entry for this variant (Variation ID: 945890). This variant is located in the A band of TTN (PMID: 25589632). Truncating variants in this region are significantly overrepresented in patients affected with dilated cardiomyopathy (PMID: 25589632). Truncating variants in this region have also been reported in individuals affected with autosomal recessive centronuclear myopathy (PMID: 23975875). In summary, the currently available evidence indicates that the variant is pathogenic, but additional data are needed to prove that conclusively. Therefore, this variant has been classified as Likely Pathogenic.

Literature cited by the submitters: PubMed 25589632; PubMed 23975875.